The following is an entry in ClinVar:

ClinVar aggregate classification (germline): Likely benign (1 of 4 stars; one submission).

Conditions:
Retinitis pigmentosa (RP). Identifiers: Orphanet 791, MedGen C0035334, MeSH D012174, MONDO:0019200, OMIM 268000. Inheritance: Autosomal dominant, autosomal recessive and X linked inheritance.

Allele frequency attached by ClinVar (database versions not stated): gnomAD 0.00814 and 0.00846; TOPMed 0.00849; 1000 Genomes Project 30x 0.01015; 1000 Genomes Project 0.01058.

Submission:

Illumina Laboratory Services, Illumina
Classification: Likely benign for Retinitis pigmentosa. Last evaluated: 2018-01-13. Review status: criteria provided, single submitter. Criteria: ICSL Variant Classification Criteria 13 December 2019. Collection method: clinical testing. Allele origin: germline.
Comment: This variant was observed in the ICSL laboratory as part of a predisposition screen in an ostensibly healthy population. It had not been previously curated by ICSL or reported in the Human Gene Mutation Database (HGMD: prior to June 1st, 2018), and was therefore a candidate for classification through an automated scoring system. Utilizing variant allele frequency, disease prevalence and penetrance estimates, and inheritance mode, an automated score was calculated to assess if this variant is too frequent to cause the disease. Based on the score and internal cut-off values, a variant classified as likely benign is not then subjected to further curation. The score for this variant resulted in a classification of likely benign for this disease.

NM_001029883.3(PCARE):c.*1145G>A

Gene: PCARE (photoreceptor cilium actin regulator; minus strand). Cytogenetic location: 2p23.2.
Variant type: single nucleotide variant.
Coding change: c.*1145G>A on transcript NM_001029883.3 (MANE Select); 1145 bases downstream of the stop codon, G replaced by A.
Molecular consequence: 3 prime UTR variant.
Genome position (GRCh38, 1-based): chr2:29,063,724, C>T on the plus strand (G>A on the coding strand, the complement: PCARE is on the minus strand). VCF-style: chr2-29063724-C-T. GRCh37 (hg19) VCF-style: chr2-29286590-C-T.
Identifiers: ClinVar variation 897733 (VCV000897733.4), dbSNP rs115327633, ClinGen allele CA44632269.